The following is an entry in ClinVar:

NM_001035.3(RYR2):c.2718+246G>C

Gene: RYR2 (ryanodine receptor 2; plus strand). Cytogenetic location: 1q43.
Variant type: single nucleotide variant.
Coding change: c.2718+246G>C on transcript NM_001035.3 (MANE Select); 246 bases into the intron after coding-DNA position 2718, G replaced by C.
Molecular consequence: intron variant.
Genome position (GRCh38, 1-based): chr1:237,507,060, G>C. VCF-style: chr1-237507060-G-C. GRCh37 (hg19) VCF-style: chr1-237670360-G-C.
Identifiers: ClinVar variation 679049 (VCV000679049.2), dbSNP rs75361901, ClinGen allele CA39782342.
Genomic context (GRCh38, chr1:237,507,060, plus strand): 5'-CATTATTGGCAGGTTCACTGAAGGATGGTCTAGCTGCCTAGACAATGGAAAGTTATCAGT[G>C]TCTGGGCTGAAAGTTATATTTTCAAATCAAGGTTAACATATACAGATAATAGGCATTGAT-3'

ClinVar aggregate classification (germline): Likely benign. Review status: criteria provided, multiple submitters, no conflicts (2 of 4 stars). 2 submissions from 2 submitters: Likely benign (2). Last evaluated 2018-06-16.

Allele frequency attached by ClinVar (database versions not stated): gnomAD 0.01009 and 0.01048; TOPMed 0.01094; 1000 Genomes Project 0.01338; 1000 Genomes Project 30x 0.01499.
gnomAD v4.1: 1,531 of 152,302 alleles (1%); highest among the groups gnomAD compares: African/African-American, 3.3%; 29 homozygotes.

Submissions (2):

GeneDx
Classification: Likely benign. Last evaluated: 2018-06-16. Review status: criteria provided, single submitter. Criteria: GeneDx Variant Classification (06012015). Collection method: clinical testing. Allele origin: germline. Affected: yes.
Comment: This variant is considered likely benign or benign based on one or more of the following criteria: it is a conservative change, it occurs at a poorly conserved position in the protein, it is predicted to be benign by multiple in silico algorithms, and/or has population frequency not consistent with disease.

Breakthrough Genomics
Classification: Likely benign. Review status: criteria provided, single submitter. Criteria: ACMG Guidelines, 2015. Collection method: not provided. Allele origin: germline. Inheritance: Autosomal dominant inheritance. Affected: yes.